The following is an entry in ClinVar:

ClinVar aggregate classification (germline): Uncertain significance. Review status: criteria provided, multiple submitters, no conflicts (2 of 4 stars). 3 submissions from 3 submitters: Uncertain significance (3). Last evaluated 2023-12-25.

Conditions:
Ehlers-Danlos syndrome, kyphoscoliotic type, 2. Also called: FKBP14-Kyphoscoliotic Ehlers-Danlos Syndrome; Ehlers-Danlos syndrome with progressive kyphoscoliosis, myopathy, and hearing loss; Ehlers-Danlos syndrome, kyphoscoliotic and deafness type. Identifiers: Orphanet 300179, MedGen C3281160, MONDO:0013800, OMIM 614557.
Cardiovascular phenotype. Identifiers: MedGen CN230736.

Allele frequency attached by ClinVar (database versions not stated): gnomAD exomes below 0.00001.
gnomAD v4.1: 2 of 1,614,112 alleles (0.00012%); highest among the groups gnomAD compares: Admixed American, 0.0017%; no homozygotes.

Submissions (3):

Ambry Genetics
Classification: Uncertain significance for Cardiovascular phenotype. Last evaluated: 2023-12-25. Review status: criteria provided, single submitter. Criteria: Ambry Variant Classification Scheme 2023. Collection method: clinical testing. Allele origin: germline.
Comment: The p.E83K variant (also known as c.247G>A), located in coding exon 2 of the FKBP14 gene, results from a G to A substitution at nucleotide position 247. The glutamic acid at codon 83 is replaced by lysine, an amino acid with similar properties. This amino acid position is conserved. In addition, the in silico prediction for this alteration is inconclusive. Since supporting evidence is limited at this time, the clinical significance of this alteration remains unclear.

GeneDx
Classification: Uncertain significance. Last evaluated: 2022-11-07. Review status: criteria provided, single submitter. Criteria: GeneDx Variant Classification Process June 2021. Collection method: clinical testing. Allele origin: germline. Affected: yes.
Comment: Not observed at significant frequency in large population cohorts (gnomAD); In silico analysis supports that this missense variant does not alter protein structure/function; Has not been previously published as pathogenic or benign to our knowledge

Labcorp Genetics (formerly Invitae), Labcorp
Classification: Uncertain significance for Ehlers-Danlos syndrome, kyphoscoliotic type, 2. Last evaluated: 2020-03-05. Review status: criteria provided, single submitter. Criteria: Invitae Variant Classification Sherloc (09022015). Collection method: clinical testing. Allele origin: germline.
Comment: This sequence change replaces glutamic acid with lysine at codon 83 of the FKBP14 protein (p.Glu83Lys). The glutamic acid residue is highly conserved and there is a small physicochemical difference between glutamic acid and lysine. In summary, the available evidence is currently insufficient to determine the role of this variant in disease. Therefore, it has been classified as a Variant of Uncertain Significance. Algorithms developed to predict the effect of missense changes on protein structure and function are either unavailable or do not agree on the potential impact of this missense change (SIFT: "Tolerated"; PolyPhen-2: "Probably Damaging"; Align-GVGD: "Class C0"). This variant has not been reported in the literature in individuals with FKBP14-related conditions. This variant is not present in population databases (ExAC no frequency).

NM_017946.4(FKBP14):c.247G>A (p.Glu83Lys)

Genes: FKBP14-AS1 (FKBP14 antisense RNA 1; plus strand), FKBP14 (FKBP prolyl isomerase 14; minus strand). Cytogenetic location: 7p14.3.
Variant type: single nucleotide variant.
Coding change: c.247G>A on transcript NM_017946.4 (MANE Select); coding-DNA position 247, G replaced by A.
Protein change: p.Glu83Lys; replaces glutamic acid 83 with lysine.
Molecular consequence: missense variant. On other transcripts: non-coding transcript variant (1).
Genome position (GRCh38, 1-based): chr7:30,022,767, C>T on the plus strand (G>A on the coding strand, the complement: FKBP14 is on the minus strand). VCF-style: chr7-30022767-C-T. GRCh37 (hg19) VCF-style: chr7-30062383-C-T.
Other names: c.247G>A (NM_017946.3, NM_017946.2); short protein forms E83K.
Identifiers: ClinVar variation 1007260 (VCV001007260.10), dbSNP rs1264425307, ClinGen allele CA367117486.